The following is an entry in ClinVar:

ClinVar aggregate classification (germline): Likely pathogenic (1 of 4 stars; one submission).

Conditions:
Autosomal recessive congenital ichthyosis 4A (LI2). Also called: ICHTHYOSIS CONGENITA IIB. Identifiers: Orphanet 313, MedGen C1832550, MONDO:0011026, OMIM 601277.
Autosomal recessive congenital ichthyosis 4B (ARCI4B). Also called: HARLEQUIN ICHTHYOSIS; ICHTHYOSIS CONGENITA, HARLEQUIN FETUS TYPE; Harlequin Fetus; Ichthyosis, congenital, autosomal recessive 4B (harlequin). Identifiers: Orphanet 457, MedGen C0598226, MONDO:0009443, OMIM 242500.

Submission:

Molecular Genetics Department, Kulakov National Medical Research Center for Obstetrics, Gynecology and Perinatology
Classification: Likely pathogenic for Autosomal recessive congenital ichthyosis 4B; Autosomal recessive congenital ichthyosis 4A. Review status: criteria provided, single submitter. Criteria: ACMG Guidelines, 2015. Collection method: clinical testing. Allele origin: germline. Affected: yes. Observed: 1 variant allele.
Comment: A previously undescribed heterozygous nucleotide variant creates a frameshift p.Met1674ArgfsTer6 in the ABCA12 gene. Homozygous and compound heterozygous variants are reported in patients with ichthyosis, congenital, autosomal recessive 4A, 601277; Ichthyosis, congenital, autosomal recessive 4B (harlequin), 242500. The variant is not present in population database (gnomAD no frequency). The variant is found in trans-position with the ABCA12 variant (NM_173076.3:c.5793del). In summary, the currently available evidence indicates that the variant is pathogenic, but additional data are needed to prove that conclusively. Therefore, this variant has been classified as likely pathogenic.

NM_173076.3(ABCA12):c.5021del (p.Met1674fs)

Gene: ABCA12 (ATP binding cassette subfamily A member 12; minus strand). Cytogenetic location: 2q35.
Variant type: Deletion.
Coding change: c.5021del on transcript NM_173076.3 (MANE Select); coding-DNA position 5021, one base deleted (T; older notation c.5021delT).
Protein change: p.Met1674fs; shifts the reading frame from methionine 1674.
Molecular consequence: frameshift variant. On other transcripts: non-coding transcript variant (1).
Genome position (GRCh38, 1-based): chr2:214,978,423, A deleted on the plus strand (T on the coding strand, the reverse complement: ABCA12 is on the minus strand). VCF-style (leftmost placement, unchanged base first): chr2-214978422-CA-C. GRCh37 (hg19) VCF-style: chr2-215843146-CA-C.
Other names: c.4067del, p.Met1356fs (NM_015657.4); short protein forms M1356fs, M1674fs.
Identifiers: ClinVar variation 4294428 (VCV004294428.1).